The following is an entry in ClinVar:

NM_005273.4(GNB2):c.954C>T (p.Leu318=)

Gene: GNB2 (G protein subunit beta 2; plus strand). Cytogenetic location: 7q22.1.
Variant type: single nucleotide variant.
Coding change: c.954C>T on transcript NM_005273.4 (MANE Select); coding-DNA position 954, C replaced by T.
Protein change: p.Leu318=; no amino-acid change (leucine 318 retained).
Molecular consequence: synonymous variant.
Genome position (GRCh38, 1-based): chr7:100,678,732, C>T. VCF-style: chr7-100678732-C-T. GRCh37 (hg19) VCF-style: chr7-100276355-C-T.
Identifiers: ClinVar variation 2657759 (VCV002657759.24), dbSNP rs17850902, ClinGen allele CA4387768.

ClinVar aggregate classification (germline): Benign (1 of 4 stars; one submission).

Allele frequency attached by ClinVar (database versions not stated): 1000 Genomes Project 0.00339; 1000 Genomes Project 30x 0.00390; TOPMed 0.00475; gnomAD 0.00561; ExAC 0.00625; ESP Exome Variant Server 0.00638.
gnomAD v4.1: 11,388 of 1,613,766 alleles (0.71%); highest among the groups gnomAD compares: Middle Eastern, 1.2%; 67 homozygotes.

Submission:

CeGaT Center for Human Genetics Tuebingen
Classification: Benign. Last evaluated: 2026-07-01. Review status: criteria provided, single submitter. Criteria: CeGaT Center For Human Genetics Tuebingen Variant Classification Criteria Version 2. Collection method: clinical testing. Allele origin: germline. Affected: yes. Observed: 13 variant alleles.
Comment: GNB2: BP4, BP7, BS1, BS2